The following is an entry in ClinVar:

ClinVar aggregate classification (germline): Uncertain significance (1 of 4 stars; one submission).

Conditions:
Brugada syndrome 5 (BRGDA5). Identifiers: Orphanet 130, Orphanet 871, MedGen C2748541, MONDO:0013015, OMIM 612838.

Allele frequency attached by ClinVar (database versions not stated): gnomAD exomes below 0.00001.
gnomAD v4.1: 1 of 1,614,112 alleles (0.000062%); highest among the groups gnomAD compares: Non-Finnish European, 0.000085%; no homozygotes.

Submission:

Labcorp Genetics (formerly Invitae), Labcorp
Classification: Uncertain significance for Brugada syndrome 5. Last evaluated: 2020-07-20. Review status: criteria provided, single submitter. Criteria: Invitae Variant Classification Sherloc (09022015). Collection method: clinical testing. Allele origin: germline.
Comment: This variant is not present in population databases (ExAC no frequency). This variant has not been reported in the literature in individuals with SCN1B-related conditions. Algorithms developed to predict the effect of missense changes on protein structure and function (SIFT, PolyPhen-2, Align-GVGD) all suggest that this variant is likely to be disruptive, but these predictions have not been confirmed by published functional studies and their clinical significance is uncertain. Algorithms developed to predict the effect of sequence changes on RNA splicing suggest that this variant may create or strengthen a splice site, but this prediction has not been confirmed by published transcriptional studies. In summary, the available evidence is currently insufficient to determine the role of this variant in disease. Therefore, it has been classified as a Variant of Uncertain Significance. This sequence change replaces isoleucine with serine at codon 41 of the SCN1B protein (p.Ile41Ser). The isoleucine residue is highly conserved and there is a large physicochemical difference between isoleucine and serine.

NM_001037.5(SCN1B):c.122T>G (p.Ile41Ser)

Gene: SCN1B (sodium voltage-gated channel beta subunit 1; plus strand). Cytogenetic location: 19q13.11.
Variant type: single nucleotide variant.
Coding change: c.122T>G on transcript NM_001037.5 (MANE Select); coding-DNA position 122, T replaced by G.
Protein change: p.Ile41Ser; replaces isoleucine 41 with serine.
Molecular consequence: missense variant.
Genome position (GRCh38, 1-based): chr19:35,032,609, T>G. VCF-style: chr19-35032609-T-G. GRCh37 (hg19) VCF-style: chr19-35523513-T-G.
Other names: c.23T>G, p.Ile8Ser (NM_001321605.2); c.122T>G, p.Ile41Ser (NM_199037.5); short protein forms I41S, I8S.
Identifiers: ClinVar variation 933536 (VCV000933536.9), dbSNP rs2064221304, ClinGen allele CA405328072.